The following is an entry in ClinVar:

ClinVar aggregate classification (germline): Uncertain significance. Review status: criteria provided, multiple submitters, no conflicts (2 of 4 stars). 2 submissions from 2 submitters: Uncertain significance (2). Last evaluated 2025-07-17.

Conditions:
Cardiac arrhythmia. Also called: Arrhythmia; Cardiac rhythm disease. Identifiers: MedGen C0003811, MONDO:0007263, HP:0011675.

Submissions (2):

Color Diagnostics, LLC DBA Color Health
Classification: Uncertain significance for Cardiac arrhythmia. Last evaluated: 2025-07-17. Review status: criteria provided, single submitter. Criteria: ACMG Guidelines, 2015. Collection method: clinical testing. Allele origin: germline.
Comment: This missense variant replaces threonine with asparagine at codon 1019 of the KCNH2 protein. Computational prediction suggests that this variant may not impact protein structure and function. To our knowledge, functional studies have not been reported for this variant. This variant has not been reported in individuals affected with KCNH2-related disorders in the literature. This variant has not been identified in the general population by the Genome Aggregation Database (gnomAD). The available evidence is insufficient to determine the role of this variant in disease conclusively. Therefore, this variant is classified as a Variant of Uncertain Significance.

Athena Diagnostics
Classification: Uncertain significance. Last evaluated: 2025-04-25. Review status: criteria provided, single submitter. Criteria: Athena Diagnostics Criteria. Collection method: clinical testing. Allele origin: unknown.
Comment: Available data are insufficient to determine the clinical significance of the variant at this time. This variant has not been reported in large, multi-ethnic general populations. Polyphen and MutationTaster predict this amino acid change may be benign.

NM_000238.4(KCNH2):c.3056C>A (p.Thr1019Asn)

Gene: KCNH2 (potassium voltage-gated channel subfamily H member 2; minus strand). Cytogenetic location: 7q36.1.
Variant type: single nucleotide variant.
Coding change: c.3056C>A on transcript NM_000238.4 (MANE Select); coding-DNA position 3056, C replaced by A.
Protein change: p.Thr1019Asn; replaces threonine 1019 with asparagine.
Molecular consequence: missense variant. On other transcripts: non-coding transcript variant (2).
Genome position (GRCh38, 1-based): chr7:150,947,424, G>T on the plus strand (C>A on the coding strand, the complement: KCNH2 is on the minus strand). VCF-style: chr7-150947424-G-T. GRCh37 (hg19) VCF-style: chr7-150644512-G-T.
Other names: c.2768C>A, p.Thr923Asn (NM_001406753.1); c.2036C>A, p.Thr679Asn (NM_172057.3); short protein forms T1019N, T679N, T923N.
Identifiers: ClinVar variation 4682336 (VCV004682336.2).